The following is an entry in ClinVar:

ClinVar aggregate classification (germline): Likely benign (1 of 4 stars; one submission).

Conditions:
TTN-related disorder. Also called: TTN-related condition; TTN-related disease; TTN-related disorders.

gnomAD v4.1: 51 of 1,612,876 alleles (0.0032%); highest among the groups gnomAD compares: East Asian, 0.1%; no homozygotes.

Submission:

PreventionGenetics, part of Exact Sciences
Classification: Likely benign for TTN-related condition. Last evaluated: 2026-03-09. Review status: criteria provided, single submitter. Criteria: ACMG Guidelines, 2015. Collection method: clinical testing. Allele origin: germline.
Comment: This variant is classified as likely benign based on ACMG/AMP sequence variant interpretation guidelines (Richards et al. 2015 PMID: 25741868, with internal and published modifications).

NM_001267550.2(TTN):c.11311+3447A>G

Gene: TTN (titin; minus strand). Cytogenetic location: 2q31.2.
Variant type: single nucleotide variant.
Coding change: c.11311+3447A>G on transcript NM_001267550.2 (MANE Select); 3447 bases into the intron after coding-DNA position 11311, A replaced by G.
Molecular consequence: intron variant. On other transcripts: synonymous variant (1).
Genome position (GRCh38, 1-based): chr2:178,749,677, T>C on the plus strand (A>G on the coding strand, the complement: TTN is on the minus strand). VCF-style: chr2-178749677-T-C. GRCh37 (hg19) VCF-style: chr2-179614404-T-C.
Other names: c.12723A>G, p.Glu4241= (NM_133379.5); c.10222+3447A>G (NM_003319.4); c.10798+3447A>G (NM_133437.4); c.10597+3447A>G (NM_133432.3); c.10360+3447A>G (NM_133378.4, NM_001256850.1).
Identifiers: ClinVar variation 4977952 (VCV004977952.1).